The following is an entry in ClinVar:

NM_005726.6(TSFM):c.755T>C (p.Val252Ala)

Gene: TSFM (Ts translation elongation factor, mitochondrial; plus strand). Cytogenetic location: 12q14.1.
Variant type: single nucleotide variant.
Coding change: c.755T>C on transcript NM_005726.6 (MANE Select); coding-DNA position 755, T replaced by C.
Protein change: p.Val252Ala; replaces valine 252 with alanine.
Molecular consequence: missense variant. On other transcripts: 3 prime UTR variant (1), intron variant (1).
Genome position (GRCh38, 1-based): chr12:57,796,360, T>C. VCF-style: chr12-57796360-T-C. GRCh37 (hg19) VCF-style: chr12-58190143-T-C.
Other names: c.*163T>C (NM_001172695.2); c.818T>C, p.Val273Ala (NM_001172696.2); c.571+3287T>C (NM_001172697.2); short protein forms V273A, V252A.
Identifiers: ClinVar variation 1390686 (VCV001390686.5), dbSNP rs762784513, ClinGen allele CA6659438.

ClinVar aggregate classification (germline): Uncertain significance (1 of 4 stars; one submission).

Allele frequency attached by ClinVar (database versions not stated): TOPMed below 0.00001; ExAC 0.00001; gnomAD 0.00001; gnomAD exomes 0.00001.
gnomAD v4.1: 10 of 1,604,484 alleles (0.00062%); highest among the groups gnomAD compares: East Asian, 0.0045%; no homozygotes.

Submission:

Labcorp Genetics (formerly Invitae), Labcorp
Classification: Uncertain significance. Last evaluated: 2022-08-09. Review status: criteria provided, single submitter. Criteria: Invitae Variant Classification Sherloc (09022015). Collection method: clinical testing. Allele origin: germline.
Comment: This sequence change replaces valine, which is neutral and non-polar, with alanine, which is neutral and non-polar, at codon 273 of the TSFM protein (p.Val273Ala). This variant is present in population databases (rs762784513, gnomAD 0.01%). This variant has not been reported in the literature in individuals affected with TSFM-related conditions. ClinVar contains an entry for this variant (Variation ID: 1390686). Algorithms developed to predict the effect of missense changes on protein structure and function are either unavailable or do not agree on the potential impact of this missense change (SIFT: "Deleterious"; PolyPhen-2: "Benign"; Align-GVGD: "Class C0"). In summary, the available evidence is currently insufficient to determine the role of this variant in disease. Therefore, it has been classified as a Variant of Uncertain Significance.